The following is an entry in ClinVar:

NM_031407.7(HUWE1):c.5113G>T (p.Glu1705Ter)

Gene: HUWE1 (HECT, UBA and WWE domain containing E3 ubiquitin protein ligase 1; minus strand). Cytogenetic location: Xp11.22.
Variant type: single nucleotide variant.
Coding change: c.5113G>T on transcript NM_031407.7 (MANE Select); coding-DNA position 5113, G replaced by T.
Protein change: p.Glu1705Ter; replaces glutamic acid 1705 with a stop codon.
Molecular consequence: nonsense.
Genome position (GRCh38, 1-based): chrX:53,584,234, C>A on the plus strand (G>T on the coding strand, the complement: HUWE1 is on the minus strand). VCF-style: chrX-53584234-C-A. GRCh37 (hg19) VCF-style: chrX-53611194-C-A.
Other names: short protein forms E1705*.
Identifiers: ClinVar variation 2751469 (VCV002751469.4), dbSNP rs2525563893, ClinGen allele CA413174659.
Genomic context (GRCh38, chrX:53,584,234, plus strand): 5'-CTTGGTACATACCATTGCCTTTATTTTCTTTACGTTTGATATCCATTTCTTTGCTTTCTT[C>A]CAGCGTCTTCTCTAGTTCCTGTCCATTGCTGTTTTTTGAATTTTTATTCAGCCGAGGTAC-3'

ClinVar aggregate classification (germline): Uncertain significance (1 of 4 stars; one submission).

Submissions (2):

Labcorp Genetics (formerly Invitae), Labcorp
Classification: Uncertain significance. Last evaluated: 2023-08-10. Review status: criteria provided, single submitter. Criteria: Invitae Variant Classification Sherloc (09022015). Collection method: clinical testing. Allele origin: germline.
Comment: This variant is not present in population databases (gnomAD no frequency). This sequence change creates a premature translational stop signal (p.Glu1705*) in the HUWE1 gene. It is expected to result in an absent or disrupted protein product. However, the current clinical and genetic evidence is not sufficient to establish whether loss-of-function variants in HUWE1 cause disease. This variant has not been reported in the literature in individuals affected with HUWE1-related conditions. In summary, the available evidence is currently insufficient to determine the role of this variant in disease. Therefore, it has been classified as a Variant of Uncertain Significance.

Dr. Peter K. Rogan Lab, Western University
No classification provided (evidence only). Condition: Thyroid cancer, nonmedullary, 1. Review status: no classification provided. Collection method: in vitro. Allele origin: not applicable. Functional consequence: retained intron. Not counted in ClinVar's aggregate classification.